The following is an entry in ClinVar:

ClinVar aggregate classification (germline): Uncertain significance (1 of 4 stars; one submission).

Allele frequency attached by ClinVar (database versions not stated): ExAC 0.00003; gnomAD 0.00003; TOPMed 0.00004; gnomAD exomes 0.00005.
gnomAD v4.1: 81 of 1,613,928 alleles (0.005%); highest among the groups gnomAD compares: Non-Finnish European, 0.0065%; no homozygotes.

Submission:

Labcorp Genetics (formerly Invitae), Labcorp
Classification: Uncertain significance. Last evaluated: 2021-12-13. Review status: criteria provided, single submitter. Criteria: Invitae Variant Classification Sherloc (09022015). Collection method: clinical testing. Allele origin: germline.
Comment: This sequence change replaces valine, which is neutral and non-polar, with alanine, which is neutral and non-polar, at codon 1312 of the VPS13A protein (p.Val1312Ala). This variant is present in population databases (rs202199447, gnomAD 0.008%). This variant has not been reported in the literature in individuals affected with VPS13A-related conditions. Algorithms developed to predict the effect of missense changes on protein structure and function are either unavailable or do not agree on the potential impact of this missense change (SIFT: "Deleterious"; PolyPhen-2: "Benign"; Align-GVGD: "Class C0"). In summary, the available evidence is currently insufficient to determine the role of this variant in disease. Therefore, it has been classified as a Variant of Uncertain Significance.

NM_033305.3(VPS13A):c.3935T>C (p.Val1312Ala)

Gene: VPS13A (vacuolar protein sorting 13 homolog A; plus strand). Cytogenetic location: 9q21.2.
Variant type: single nucleotide variant.
Coding change: c.3935T>C on transcript NM_033305.3 (MANE Select); coding-DNA position 3935, T replaced by C.
Protein change: p.Val1312Ala; replaces valine 1312 with alanine.
Molecular consequence: missense variant.
Genome position (GRCh38, 1-based): chr9:77,303,037, T>C. VCF-style: chr9-77303037-T-C. GRCh37 (hg19) VCF-style: chr9-79917953-T-C.
Other names: c.3818T>C, p.Val1273Ala (NM_001018037.2); c.3935T>C, p.Val1312Ala (NM_001018038.3, NM_015186.4); short protein forms V1273A, V1312A.
Identifiers: ClinVar variation 2077955 (VCV002077955.1), dbSNP rs202199447, ClinGen allele CA5092373.